The following is an entry in ClinVar:

NM_022489.4(INF2):c.1736-10C>T

Gene: INF2 (inverted formin 2; plus strand). Cytogenetic location: 14q32.33.
Variant type: single nucleotide variant.
Coding change: c.1736-10C>T on transcript NM_022489.4 (MANE Select); 10 bases into the intron before coding-DNA position 1736, C replaced by T.
Molecular consequence: intron variant.
Genome position (GRCh38, 1-based): chr14:104,708,426, C>T. VCF-style: chr14-104708426-C-T. GRCh37 (hg19) VCF-style: chr14-105174763-C-T.
Other names: c.1736-10C>T (NM_001031714.4).
Identifiers: ClinVar variation 3057641 (VCV003057641.2), dbSNP rs2541925103, ClinGen allele CA2740097220.

ClinVar aggregate classification (germline): Likely benign (0 of 4 stars; one submission).

Conditions:
INF2-related disorder. Also called: INF2-related condition.

Submission:

PreventionGenetics, part of Exact Sciences
Classification: Likely benign for INF2-related condition. Last evaluated: 2022-12-19. Review status: no assertion criteria provided. Collection method: clinical testing. Allele origin: germline.
Comment: This variant is classified as likely benign based on ACMG/AMP sequence variant interpretation guidelines (Richards et al. 2015 PMID: 25741868, with internal and published modifications).